The following is an entry in ClinVar:

ClinVar aggregate classification (germline): Likely pathogenic (1 of 4 stars; one submission).

Conditions:
ALDH18A1-related de Barsy syndrome. Also called: DE BARSY SYNDROME A; Cutis laxa, autosomal recessive IIIA. Identifiers: Orphanet 2962, Orphanet 35664, MedGen C5234852, MONDO:0009053, OMIM 219150.
Autosomal recessive complex spastic paraplegia type 9B. Also called: Spastic paraplegia 9b, autosomal recessive. Identifiers: Orphanet 447760, MedGen C5568980, MONDO:0014702, OMIM 616586.

gnomAD v4.1: 1 of 1,614,104 alleles (0.000062%); highest among the groups gnomAD compares: Non-Finnish European, 0.000085%; no homozygotes.

Submission:

Diagnostics Services (NGS), CSIR - Centre For Cellular And Molecular Biology
Classification: Likely pathogenic for ALDH18A1-related de Barsy syndrome; Autosomal recessive complex spastic paraplegia type 9B. Last evaluated: 2026-08-24. Review status: criteria provided, single submitter. Criteria: ACMG Guidelines, 2015. Collection method: clinical testing. Allele origin: germline. Affected: no. Observed: 1 variant allele, 1 heterozygote.

NM_002860.4(ALDH18A1):c.89-2A>G

Gene: ALDH18A1 (aldehyde dehydrogenase 18 family member A1; minus strand). Cytogenetic location: 10q24.1.
Variant type: single nucleotide variant.
Coding change: c.89-2A>G on transcript NM_002860.4 (MANE Select); the canonical splice acceptor site of the intron before coding-DNA position 89, A replaced by G.
Molecular consequence: splice acceptor variant. On other transcripts: intron variant (4).
Genome position (GRCh38, 1-based): chr10:95,643,208, T>C on the plus strand (A>G on the coding strand, the complement: ALDH18A1 is on the minus strand). VCF-style: chr10-95643208-T-C. GRCh37 (hg19) VCF-style: chr10-97402965-T-C.
Other names: c.-78-9559A>G (NM_001323419.2); c.-30-5772A>G (NM_001323412.2, NM_001323418.2, NM_001323416.2); c.89-2A>G (NM_001323417.2, NM_001017423.2, NM_001323415.2 and 2 more transcripts).
Identifiers: ClinVar variation 4974980 (VCV004974980.1).
Genomic context (GRCh38, chr10:95,643,208, plus strand): 5'-GATAAACGGGATGTTGCTCCAAGAACGAACATGTCTGATGACTGAAGGCTGGATACAATC[T>C]GTAGCCATCAAAGTCAAATGCAAGAAAAAAAGAAATACTCAATATAGTTTTTCAATAAAA-3'